The following is an entry in ClinVar:

ClinVar aggregate classification (germline): Uncertain significance (1 of 4 stars; one submission).

Conditions:
Charcot-Marie-Tooth Neuropathy X. Identifiers: MedGen CN118851.

Submission:

Labcorp Genetics (formerly Invitae), Labcorp
Classification: Uncertain significance for Charcot-Marie-Tooth Neuropathy X. Last evaluated: 2024-10-24. Review status: criteria provided, single submitter. Criteria: Invitae Variant Classification Sherloc (09022015). Collection method: clinical testing. Allele origin: germline.
Comment: This sequence change replaces phenylalanine, which is neutral and non-polar, with tyrosine, which is neutral and polar, at codon 253 of the PRPS1 protein (p.Phe253Tyr). This variant is not present in population databases (gnomAD no frequency). This variant has not been reported in the literature in individuals affected with PRPS1-related conditions. ClinVar contains an entry for this variant (Variation ID: 2115600). Invitae Evidence Modeling of protein sequence and biophysical properties (such as structural, functional, and spatial information, amino acid conservation, physicochemical variation, residue mobility, and thermodynamic stability) indicates that this missense variant is not expected to disrupt PRPS1 protein function with a negative predictive value of 80%. In summary, the available evidence is currently insufficient to determine the role of this variant in disease. Therefore, it has been classified as a Variant of Uncertain Significance.

NM_002764.4(PRPS1):c.758T>A (p.Phe253Tyr)

Gene: PRPS1 (phosphoribosyl pyrophosphate synthetase 1; plus strand). Cytogenetic location: Xq22.3.
Variant type: single nucleotide variant.
Coding change: c.758T>A on transcript NM_002764.4 (MANE Select); coding-DNA position 758, T replaced by A.
Protein change: p.Phe253Tyr; replaces phenylalanine 253 with tyrosine.
Molecular consequence: missense variant.
Genome position (GRCh38, 1-based): chrX:107,647,659, T>A. VCF-style: chrX-107647659-T-A. GRCh37 (hg19) VCF-style: chrX-106890889-T-A.
Other names: c.146T>A, p.Phe49Tyr (NM_001204402.2); short protein forms F253Y, F49Y.
Identifiers: ClinVar variation 2115600 (VCV002115600.4), dbSNP rs2521349596, ClinGen allele CA413814515.